The following is an entry in ClinVar:

ClinVar aggregate classification (germline): Uncertain significance (1 of 4 stars; one submission).

Conditions:
Congenital myasthenic syndrome 2A. Also called: Myasthenic syndrome, congenital, 2a, slow-channel. Identifiers: Orphanet 590, MedGen C4225374, MONDO:0014581, OMIM 616313.

gnomAD v4.1: 8 of 1,613,792 alleles (0.0005%); highest among the groups gnomAD compares: South Asian, 0.0055%; no homozygotes.

Submission:

Labcorp Genetics (formerly Invitae), Labcorp
Classification: Uncertain significance for Congenital myasthenic syndrome 2A. Last evaluated: 2024-11-27. Review status: criteria provided, single submitter. Criteria: Invitae Variant Classification Sherloc (09022015). Collection method: clinical testing. Allele origin: germline.
Comment: This sequence change replaces glutamic acid, which is acidic and polar, with lysine, which is basic and polar, at codon 68 of the CHRNB1 protein (p.Glu68Lys). This variant is present in population databases (rs751032324, gnomAD 0.003%). This variant has not been reported in the literature in individuals affected with CHRNB1-related conditions. Invitae Evidence Modeling of protein sequence and biophysical properties (such as structural, functional, and spatial information, amino acid conservation, physicochemical variation, residue mobility, and thermodynamic stability) indicates that this missense variant is expected to disrupt CHRNB1 protein function with a positive predictive value of 80%. In summary, the available evidence is currently insufficient to determine the role of this variant in disease. Therefore, it has been classified as a Variant of Uncertain Significance.

NM_000747.3(CHRNB1):c.202G>A (p.Glu68Lys)

Gene: CHRNB1 (cholinergic receptor nicotinic beta 1 subunit; plus strand). Cytogenetic location: 17p13.1.
Variant type: single nucleotide variant.
Coding change: c.202G>A on transcript NM_000747.3 (MANE Select); coding-DNA position 202, G replaced by A.
Protein change: p.Glu68Lys; replaces glutamic acid 68 with lysine.
Molecular consequence: missense variant.
Genome position (GRCh38, 1-based): chr17:7,446,072, G>A. VCF-style: chr17-7446072-G-A. GRCh37 (hg19) VCF-style: chr17-7349391-G-A.
Other names: short protein forms E68K.
Identifiers: ClinVar variation 3672769 (VCV003672769.2).